The following is an entry in ClinVar:

ClinVar aggregate classification (germline): Uncertain significance (1 of 4 stars; one submission).

Submission:

Ambry Genetics
Classification: Uncertain significance. Last evaluated: 2024-02-23. Review status: criteria provided, single submitter. Criteria: Ambry Variant Classification Scheme 2023. Collection method: clinical testing. Allele origin: germline.
Comment: The p.M180R variant (also known as c.539T>G), located in coding exon 4 of the IDH1 gene, results from a T to G substitution at nucleotide position 539. The methionine at codon 180 is replaced by arginine, an amino acid with similar properties. This amino acid position is conserved. In addition, this alteration is predicted to be deleterious by in silico analysis. Based on the available evidence, the clinical significance of this alteration remains unclear.

NM_005896.4(IDH1):c.539T>G (p.Met180Arg)

Gene: IDH1 (isocitrate dehydrogenase (NADP(+)) 1; minus strand). Cytogenetic location: 2q34.
Variant type: single nucleotide variant.
Coding change: c.539T>G on transcript NM_005896.4 (MANE Select); coding-DNA position 539, T replaced by G.
Protein change: p.Met180Arg; replaces methionine 180 with arginine.
Molecular consequence: missense variant.
Genome position (GRCh38, 1-based): chr2:208,243,586, A>C on the plus strand (T>G on the coding strand, the complement: IDH1 is on the minus strand). VCF-style: chr2-208243586-A-C. GRCh37 (hg19) VCF-style: chr2-209108310-A-C.
Other names: c.539T>G, p.Met180Arg (NM_001282386.1, NM_001282387.1); short protein forms M180R.
Identifiers: ClinVar variation 3225144 (VCV003225144.1), dbSNP rs2469022331, ClinGen allele CA350099770.